The following is an entry in ClinVar:

ClinVar aggregate classification (germline): Pathogenic/Likely pathogenic. Review status: criteria provided, multiple submitters, no conflicts (2 of 4 stars). 2 submissions from 2 submitters: Pathogenic (1); Likely pathogenic (1). Last evaluated 2024-08-09.

Conditions:
Dilated cardiomyopathy 1G (CMD1G). Identifiers: Orphanet 154, MedGen C1858763, MONDO:0011400, OMIM 604145.
Autosomal recessive limb-girdle muscular dystrophy type 2J (LGMDR10). Also called: Limb-girdle muscular dystrophy, type 2J; MUSCULAR DYSTROPHY, LIMB-GIRDLE, AUTOSOMAL RECESSIVE 10. Identifiers: Orphanet 140922, MedGen C1837342, MONDO:0012127, OMIM 608807.

Submissions (2):

GeneDx
Classification: Pathogenic. Last evaluated: 2024-08-09. Review status: criteria provided, single submitter. Criteria: GeneDx Variant Classification Process June 2021. Collection method: clinical testing. Allele origin: germline.
Comment: Has not been previously published as pathogenic or benign to our knowledge; Not observed at significant frequency in large population cohorts (gnomAD); Frameshift variant predicted to result in protein truncation or nonsense mediated decay in a gene for which loss of function is a known mechanism of disease; This variant is associated with the following publications: (PMID: 22335739)

Labcorp Genetics (formerly Invitae), Labcorp
Classification: Likely pathogenic for Dilated cardiomyopathy 1G; Autosomal recessive limb-girdle muscular dystrophy type 2J. Last evaluated: 2023-01-18. Review status: criteria provided, single submitter. Criteria: Invitae Variant Classification Sherloc (09022015). Collection method: clinical testing. Allele origin: germline.
Comment: In summary, the currently available evidence indicates that the variant is pathogenic, but additional data are needed to prove that conclusively. Therefore, this variant has been classified as Likely Pathogenic. This variant is located in the A band of TTN (PMID: 25589632). Truncating variants in this region are significantly overrepresented in patients affected with dilated cardiomyopathy (PMID: 25589632). Truncating variants in this region have also been reported in individuals affected with autosomal recessive centronuclear myopathy (PMID: 23975875). This premature translational stop signal has been observed in individual(s) with dilated cardiomyopathy (Invitae). This variant is not present in population databases (gnomAD no frequency). This sequence change creates a premature translational stop signal (p.Val19818Serfs*13) in the TTN gene. While this is not anticipated to result in nonsense mediated decay, it is expected to create a truncated TTN protein.

Literature cited by the submitters: PubMed 25589632 (cited by Labcorp Genetics (formerly Invitae), Labcorp); PubMed 23975875 (cited by Labcorp Genetics (formerly Invitae), Labcorp).

NM_001267550.2(TTN):c.59451dup (p.Val19818fs)

Genes: TTN (titin; minus strand), TTN-AS1 (TTN antisense RNA 1; plus strand), LOC126806424 (CDK7 strongly-dependent group 2 enhancer GRCh37_chr2:179456337-179457536; plus strand). Cytogenetic location: 2q31.2.
Variant type: Duplication.
Coding change: c.59451dup on transcript NM_001267550.2 (MANE Select); coding-DNA position 59451, one base duplicated (A; older notation c.59451dupA).
Protein change: p.Val19818fs; shifts the reading frame from valine 19818.
Molecular consequence: frameshift variant.
Genome position (GRCh38, 1-based): chr2:178,592,554, T duplicated on the plus strand (A on the coding strand, the reverse complement: TTN is on the minus strand); the first of 4 consecutive T bases (chr2:178,592,554-178,592,557); duplicating any one gives the same sequence. VCF-style (leftmost placement, unchanged base first): chr2-178592553-C-CT. GRCh37 (hg19) VCF-style: chr2-179457280-C-CT.
Other names: c.59451dup (NM_001267550.1); c.54528dup, p.Val18177fs (NM_001256850.1); c.32256dup, p.Val10753fs (NM_003319.4); c.51747dup, p.Val17250fs (NM_133378.4); c.32631dup, p.Val10878fs (NM_133432.3); c.32832dup, p.Val10945fs (NM_133437.4); short protein forms V10878fs, V18177fs, V10753fs, V10945fs, V17250fs, V19818fs.
Identifiers: ClinVar variation 2943374 (VCV002943374.5), dbSNP rs2469536270, ClinGen allele CA2740096110.
Genomic context (GRCh38, chr2:178,592,553, plus strand): 5'-CTGGAGTCACATCAATTCTTGCTTTAGTTGGAGCATCTCTGTCTTCTTTTTTCCAAGTTA[C>CT]TTTTGGGAATGGCACTCCTTTGATGATGGCACTAAGTCTTAGAGTATCACCAACTTTAAT-3'